The following is an entry in ClinVar:

ClinVar aggregate classification (germline): Uncertain significance. Review status: criteria provided, multiple submitters, no conflicts (2 of 4 stars). 2 submissions from 2 submitters: Uncertain significance (2). Last evaluated 2026-01-09.

Conditions:
Inborn genetic diseases. Identifiers: MedGen C0950123, MeSH D030342.
Familial hemiplegic migraine. Identifiers: MedGen C0338484, MONDO:0000700.

Allele frequency attached by ClinVar (database versions not stated): gnomAD exomes below 0.00001; ExAC 0.00001; gnomAD 0.00001; TOPMed 0.00002.
gnomAD v4.1: 3 of 1,614,100 alleles (0.00019%); highest among the groups gnomAD compares: African/African-American, 0.004%; no homozygotes.

Submissions (2):

Ambry Genetics
Classification: Uncertain significance for Inborn genetic diseases. Last evaluated: 2026-01-09. Review status: criteria provided, single submitter. Criteria: Ambry Variant Classification Scheme 2023. Collection method: clinical testing. Allele origin: germline.
Comment: The c.2711C>G (p.T904S) alteration is located in exon 20 (coding exon 20) of the ATP1A2 gene. This alteration results from a C to G substitution at nucleotide position 2711, causing the threonine (T) at amino acid position 904 to be replaced by a serine (S). Based on data from gnomAD, the G allele has an overall frequency of <0.001% (1/251418) total alleles studied. The highest observed frequency was 0.006% (1/16254) of African alleles. Based on insufficient or conflicting evidence, the clinical significance of this alteration remains unclear.

Labcorp Genetics (formerly Invitae), Labcorp
Classification: Uncertain significance for Familial hemiplegic migraine. Last evaluated: 2025-06-18. Review status: criteria provided, single submitter. Criteria: Invitae Variant Classification Sherloc (09022015). Collection method: clinical testing. Allele origin: germline.
Comment: This sequence change replaces threonine, which is neutral and polar, with serine, which is neutral and polar, at codon 904 of the ATP1A2 protein (p.Thr904Ser). This variant is present in population databases (rs746371415, gnomAD 0.007%). This variant has not been reported in the literature in individuals affected with ATP1A2-related conditions. ClinVar contains an entry for this variant (Variation ID: 1021683). An algorithm developed to predict the effect of missense changes on protein structure and function (PolyPhen-2) suggests that this variant is likely to be tolerated. In summary, the available evidence is currently insufficient to determine the role of this variant in disease. Therefore, it has been classified as a Variant of Uncertain Significance.

NM_000702.4(ATP1A2):c.2711C>G (p.Thr904Ser)

Gene: ATP1A2 (ATPase Na+/K+ transporting subunit alpha 2; plus strand). Cytogenetic location: 1q23.2.
Variant type: single nucleotide variant.
Coding change: c.2711C>G on transcript NM_000702.4 (MANE Select); coding-DNA position 2711, C replaced by G.
Protein change: p.Thr904Ser; replaces threonine 904 with serine.
Molecular consequence: missense variant.
Genome position (GRCh38, 1-based): chr1:160,136,902, C>G. VCF-style: chr1-160136902-C-G. GRCh37 (hg19) VCF-style: chr1-160106692-C-G.
Other names: c.2711C>G (NM_000702.3); short protein forms T904S.
Identifiers: ClinVar variation 1021683 (VCV001021683.11), dbSNP rs746371415, ClinGen allele CA1194830.